The following is an entry in ClinVar:

NM_004304.5(ALK):c.-6G>A

Gene: ALK (ALK receptor tyrosine kinase; minus strand). Cytogenetic location: 2p23.1.
Variant type: single nucleotide variant.
Coding change: c.-6G>A on transcript NM_004304.5 (MANE Select); 6 bases upstream of the start codon, G replaced by A.
Molecular consequence: 5 prime UTR variant.
Genome position (GRCh38, 1-based): chr2:29,920,665, C>T on the plus strand (G>A on the coding strand, the complement: ALK is on the minus strand). VCF-style: chr2-29920665-C-T. GRCh37 (hg19) VCF-style: chr2-30143531-C-T.
Identifiers: ClinVar variation 510874 (VCV000510874.1), dbSNP rs778056023, ClinGen allele CA1595080.

ClinVar aggregate classification (germline): Likely benign (1 of 4 stars; one submission).

Allele frequency attached by ClinVar (database versions not stated): TOPMed 0.00001; gnomAD 0.00002 and 0.00003; ExAC 0.00008; gnomAD exomes 0.00004.
gnomAD v4.1: 22 of 1,534,380 alleles (0.0014%); highest among the groups gnomAD compares: African/African-American, 0.0014%; no homozygotes.

Submission:

GeneDx
Classification: Likely benign. Last evaluated: 2017-07-17. Review status: criteria provided, single submitter. Criteria: GeneDx Variant Classification (06012015). Collection method: clinical testing. Allele origin: germline. Affected: yes.
Comment: This variant is considered likely benign or benign based on one or more of the following criteria: it is a conservative change, it occurs at a poorly conserved position in the protein, it is predicted to be benign by multiple in silico algorithms, and/or has population frequency not consistent with disease.